The following is an entry in ClinVar:

NM_000080.4(CHRNE):c.181A>T (p.Ile61Phe)

Genes: C17orf107 (chromosome 17 open reading frame 107; plus strand), CHRNE (cholinergic receptor nicotinic epsilon subunit; minus strand). Cytogenetic location: 17p13.2.
Variant type: single nucleotide variant.
Coding change: c.181A>T on transcript NM_000080.4 (MANE Select); coding-DNA position 181, A replaced by T.
Protein change: p.Ile61Phe; replaces isoleucine 61 with phenylalanine.
Molecular consequence: missense variant. On other transcripts: 3 prime UTR variant (1).
Genome position (GRCh38, 1-based): chr17:4,902,629, T>A on the plus strand (A>T on the coding strand, the complement: CHRNE is on the minus strand). VCF-style: chr17-4902629-T-A. GRCh37 (hg19) VCF-style: chr17-4805924-T-A.
Other names: c.*2096T>A (NM_001145536.2); short protein forms I61F.
Identifiers: ClinVar variation 4700525 (VCV004700525.1).

ClinVar aggregate classification (germline): Uncertain significance (1 of 4 stars; one submission).

Conditions:
Congenital myasthenic syndrome 4A. Also called: CONGENITAL MYASTHENIC SYNDROME TYPE Ia1; Myasthenic syndrome, congenital, 4a, slow-channel; MYASTHENIC SYNDROME, CONGENITAL, 4A, SLOW-CHANNEL, AUTOSOMAL RECESSIVE. Identifiers: Orphanet 590, MedGen C4225413, MONDO:0011600, OMIM 605809.

gnomAD v4.1: 26 of 1,610,126 alleles (0.0016%); highest among the groups gnomAD compares: Admixed American, 0.0017%; no homozygotes.

Submission:

Labcorp Genetics (formerly Invitae), Labcorp
Classification: Uncertain significance for Congenital myasthenic syndrome 4A. Last evaluated: 2025-07-30. Review status: criteria provided, single submitter. Criteria: Invitae Variant Classification Sherloc (09022015). Collection method: clinical testing. Allele origin: germline.
Comment: This sequence change replaces isoleucine, which is neutral and non-polar, with phenylalanine, which is neutral and non-polar, at codon 61 of the CHRNE protein (p.Ile61Phe). This variant is present in population databases (rs765180335, gnomAD 0.04%). This variant has not been reported in the literature in individuals affected with CHRNE-related conditions. Invitae Evidence Modeling of protein sequence and biophysical properties (such as structural, functional, and spatial information, amino acid conservation, physicochemical variation, residue mobility, and thermodynamic stability) has been performed for this missense variant. However, the output from this modeling did not meet the statistical confidence thresholds required to predict the impact of this variant on CHRNE protein function. In summary, the available evidence is currently insufficient to determine the role of this variant in disease. Therefore, it has been classified as a Variant of Uncertain Significance.